The following is an entry in ClinVar:

ClinVar aggregate classification (germline): Uncertain significance. Review status: criteria provided, multiple submitters, no conflicts (2 of 4 stars). 2 submissions from 2 submitters: Uncertain significance (2). Last evaluated 2024-09-15.

Conditions:
Progressive familial heart block type IB (PFHB1B). Identifiers: Orphanet 871, MedGen C1970298, MONDO:0011474, OMIM 604559.
Cardiovascular phenotype. Identifiers: MedGen CN230736.

Allele frequency attached by ClinVar (database versions not stated): gnomAD exomes below 0.00001; gnomAD 0.00001; TOPMed 0.00002.

Submissions (2):

Labcorp Genetics (formerly Invitae), Labcorp
Classification: Uncertain significance for Progressive familial heart block type IB. Last evaluated: 2024-09-15. Review status: criteria provided, single submitter. Criteria: Invitae Variant Classification Sherloc (09022015). Collection method: clinical testing. Allele origin: germline.
Comment: This sequence change replaces threonine, which is neutral and polar, with isoleucine, which is neutral and non-polar, at codon 109 of the TRPM4 protein (p.Thr109Ile). This variant is present in population databases (no rsID available, gnomAD 0.01%). This variant has not been reported in the literature in individuals affected with TRPM4-related conditions. ClinVar contains an entry for this variant (Variation ID: 1729607). An algorithm developed to predict the effect of missense changes on protein structure and function outputs the following: PolyPhen-2: "Benign". The isoleucine amino acid residue is found in multiple mammalian species, which suggests that this missense change does not adversely affect protein function. In summary, the available evidence is currently insufficient to determine the role of this variant in disease. Therefore, it has been classified as a Variant of Uncertain Significance.

Ambry Genetics
Classification: Uncertain significance for Cardiovascular phenotype. Last evaluated: 2024-07-24. Review status: criteria provided, single submitter. Criteria: Ambry Variant Classification Scheme 2023. Collection method: clinical testing. Allele origin: germline.
Comment: The p.T109I variant (also known as c.326C>T), located in coding exon 4 of the TRPM4 gene, results from a C to T substitution at nucleotide position 326. The threonine at codon 109 is replaced by isoleucine, an amino acid with similar properties. This amino acid position is poorly conserved in available vertebrate species. In addition, this alteration is predicted to be tolerated by in silico analysis. Since supporting evidence is limited at this time, the clinical significance of this alteration remains unclear.

NM_017636.4(TRPM4):c.326C>T (p.Thr109Ile)

Gene: TRPM4 (transient receptor potential cation channel subfamily M member 4; plus strand). Cytogenetic location: 19q13.33.
Variant type: single nucleotide variant.
Coding change: c.326C>T on transcript NM_017636.4 (MANE Select); coding-DNA position 326, C replaced by T.
Protein change: p.Thr109Ile; replaces threonine 109 with isoleucine.
Molecular consequence: missense variant. On other transcripts: intron variant (4).
Genome position (GRCh38, 1-based): chr19:49,167,975, C>T. VCF-style: chr19-49167975-C-T. GRCh37 (hg19) VCF-style: chr19-49671232-C-T.
Other names: c.326C>T, p.Thr109Ile (NM_001195227.2); c.-1105-285C>T (NM_001321282.2); c.268-578C>T (NM_001321281.2); c.-74-285C>T (NM_001321283.2); c.-237-578C>T (NM_001321285.2); short protein forms T109I.
Identifiers: ClinVar variation 1729607 (VCV001729607.5), dbSNP rs1263349825, ClinGen allele CA406790117.